The following is an entry in ClinVar:

NM_000038.6(APC):c.8278A>G (p.Thr2760Ala)

Gene: APC (APC regulator of Wnt signaling pathway; plus strand). Cytogenetic location: 5q22.2.
Variant type: single nucleotide variant.
Coding change: c.8278A>G on transcript NM_000038.6 (MANE Select); coding-DNA position 8278, A replaced by G.
Protein change: p.Thr2760Ala; replaces threonine 2760 with alanine.
Molecular consequence: missense variant.
Genome position (GRCh38, 1-based): chr5:112,843,872, A>G. VCF-style: chr5-112843872-A-G. GRCh37 (hg19) VCF-style: chr5-112179569-A-G.
Other names: c.8278A>G, p.Thr2760Ala (NM_001127510.3, NM_001354895.2); c.8224A>G, p.Thr2742Ala (NM_001127511.3); c.8332A>G, p.Thr2778Ala (NM_001354896.2); c.8308A>G, p.Thr2770Ala (NM_001354897.2); c.8203A>G, p.Thr2735Ala (NM_001354898.2); c.8194A>G, p.Thr2732Ala (NM_001354899.2); c.8155A>G, p.Thr2719Ala (NM_001354900.2); c.8101A>G, p.Thr2701Ala (NM_001354901.2); and 5 more; short protein forms T2477A, T2600A, T2701A, T2760A, T2778A, T2634A, T2669A, T2735A.
Identifiers: ClinVar variation 1499620 (VCV001499620.6), dbSNP rs2150002428, ClinGen allele CA16039292.
Genomic context (GRCh38, chr5:112,843,872, plus strand): 5'-CCAGGACAAAATAATCCTGTCCCTGTATCAGAGACTAATGAAAGTTCTATAGTGGAACGT[A>G]CCCCATTCAGTTCTAGCAGCTCAAGCAAACACAGTTCACCTAGTGGGACTGTTGCTGCCA-3'
Protein context (NP_000029.2, residues 2750-2770): ETNESSIVER[Thr2760Ala]PFSSSSSSKH

ClinVar aggregate classification (germline): Uncertain significance (1 of 4 stars; one submission).

Conditions:
Familial adenomatous polyposis 1 (FAP1). Also called: FAMILIAL ADENOMATOUS POLYPOSIS 1, ATTENUATED; POLYPOSIS, ADENOMATOUS INTESTINAL. Identifiers: MedGen C2713442, MONDO:0021056, OMIM 175100. Disease mechanism: loss of function.

gnomAD v4.1: 3 of 1,613,970 alleles (0.00019%); highest among the groups gnomAD compares: Non-Finnish European, 0.00025%; no homozygotes.

Submission:

Labcorp Genetics (formerly Invitae), Labcorp
Classification: Uncertain significance for Familial adenomatous polyposis 1. Last evaluated: 2021-01-01. Review status: criteria provided, single submitter. Criteria: Invitae Variant Classification Sherloc (09022015). Collection method: clinical testing. Allele origin: germline.
Comment: In summary, the available evidence is currently insufficient to determine the role of this variant in disease. Therefore, it has been classified as a Variant of Uncertain Significance. Algorithms developed to predict the effect of missense changes on protein structure and function are either unavailable or do not agree on the potential impact of this missense change (SIFT: "Deleterious"; PolyPhen-2: "Probably Damaging"; Align-GVGD: "Class C0"). This variant has not been reported in the literature in individuals with APC-related conditions. This variant is not present in population databases (ExAC no frequency). This sequence change replaces threonine with alanine at codon 2760 of the APC protein (p.Thr2760Ala). The threonine residue is highly conserved and there is a small physicochemical difference between threonine and alanine.